The following is an entry in ClinVar:

ClinVar aggregate classification (germline): Uncertain significance (1 of 4 stars; one submission).

Allele frequency attached by ClinVar (database versions not stated): gnomAD exomes below 0.00001.
gnomAD v4.1: 1 of 1,614,144 alleles (0.000062%); highest among the groups gnomAD compares: Non-Finnish European, 0.000085%; no homozygotes.

Submission:

Labcorp Genetics (formerly Invitae), Labcorp
Classification: Uncertain significance. Last evaluated: 2024-10-30. Review status: criteria provided, single submitter. Criteria: Invitae Variant Classification Sherloc (09022015). Collection method: clinical testing. Allele origin: germline.
Comment: This sequence change replaces leucine, which is neutral and non-polar, with methionine, which is neutral and non-polar, at codon 582 of the CLCN6 protein (p.Leu582Met). This variant is not present in population databases (gnomAD no frequency). This variant has not been reported in the literature in individuals affected with CLCN6-related conditions. ClinVar contains an entry for this variant (Variation ID: 2100588). An algorithm developed to predict the effect of missense changes on protein structure and function (PolyPhen-2) suggests that this variant is likely to be disruptive. In summary, the available evidence is currently insufficient to determine the role of this variant in disease. Therefore, it has been classified as a Variant of Uncertain Significance.

NM_001286.5(CLCN6):c.1744C>A (p.Leu582Met)

Gene: CLCN6 (chloride voltage-gated channel 6; plus strand). Cytogenetic location: 1p36.22.
Variant type: single nucleotide variant.
Coding change: c.1744C>A on transcript NM_001286.5 (MANE Select); coding-DNA position 1744, C replaced by A.
Protein change: p.Leu582Met; replaces leucine 582 with methionine.
Molecular consequence: missense variant. On other transcripts: non-coding transcript variant (1).
Genome position (GRCh38, 1-based): chr1:11,834,541, C>A. VCF-style: chr1-11834541-C-A. GRCh37 (hg19) VCF-style: chr1-11894598-C-A.
Other names: c.1678C>A, p.Leu560Met (NM_001256959.2); short protein forms L582M, L560M.
Identifiers: ClinVar variation 2100588 (VCV002100588.4), dbSNP rs2523157946, ClinGen allele CA338436151.